The following is an entry in ClinVar:

ClinVar aggregate classification (germline): Uncertain significance (1 of 4 stars; one submission).

Allele frequency attached by ClinVar (database versions not stated): gnomAD exomes 0.00002.
gnomAD v4.1: 23 of 1,613,828 alleles (0.0014%); highest among the groups gnomAD compares: Non-Finnish European, 0.0019%; no homozygotes.

Submission:

Labcorp Genetics (formerly Invitae), Labcorp
Classification: Uncertain significance. Last evaluated: 2023-01-15. Review status: criteria provided, single submitter. Criteria: Invitae Variant Classification Sherloc (09022015). Collection method: clinical testing. Allele origin: germline.
Comment: This variant is present in population databases (rs775351085, gnomAD 0.0009%). This sequence change replaces glycine, which is neutral and non-polar, with arginine, which is basic and polar, at codon 215 of the RNF31 protein (p.Gly215Arg). This variant has not been reported in the literature in individuals affected with RNF31-related conditions. In summary, the available evidence is currently insufficient to determine the role of this variant in disease. Therefore, it has been classified as a Variant of Uncertain Significance. Algorithms developed to predict the effect of missense changes on protein structure and function are either unavailable or do not agree on the potential impact of this missense change (SIFT: "Tolerated"; PolyPhen-2: "Possibly Damaging"; Align-GVGD: "Class C0").

NM_017999.5(RNF31):c.643G>C (p.Gly215Arg)

Gene: RNF31 (ring finger protein 31; plus strand). Cytogenetic location: 14q12.
Variant type: single nucleotide variant.
Coding change: c.643G>C on transcript NM_017999.5 (MANE Select); coding-DNA position 643, G replaced by C.
Protein change: p.Gly215Arg; replaces glycine 215 with arginine.
Molecular consequence: missense variant.
Genome position (GRCh38, 1-based): chr14:24,149,417, G>C. VCF-style: chr14-24149417-G-C. GRCh37 (hg19) VCF-style: chr14-24618626-G-C.
Other names: c.190G>C, p.Gly64Arg (NM_001310332.2); short protein forms G215R, G64R.
Identifiers: ClinVar variation 3005991 (VCV003005991.3), dbSNP rs775351085, ClinGen allele CA257872280.
Genomic context (GRCh38, chr14:24,149,417, plus strand): 5'-TGTAGCCTGGTCTTTTTTGGAAAGATGTTCCATCTCTCCTGCCCTCCAGGCTCCACTCCT[G>C]GTCCCTGCTTCCTCTGTGGTTCTGCCCCAGGCACACTGCACTGCCCATCCTGTAAACAGG-3'
Protein context (NP_060469.4, residues 205-225): TTPSVPGSTP[Gly215Arg]PCFLCGSAPG